The following is an entry in ClinVar:

NM_000330.4(RS1):c.150G>A (p.Trp50Ter)

Gene: RS1 (retinoschisin 1; minus strand). Cytogenetic location: Xp22.13.
Variant type: single nucleotide variant.
Coding change: c.150G>A on transcript NM_000330.4 (MANE Select); coding-DNA position 150, G replaced by A.
Protein change: p.Trp50Ter; replaces tryptophan 50 with a stop codon.
Molecular consequence: nonsense.
Genome position (GRCh38, 1-based): chrX:18,656,687, C>T on the plus strand (G>A on the coding strand, the complement: RS1 is on the minus strand). VCF-style: chrX-18656687-C-T. GRCh37 (hg19) VCF-style: chrX-18674807-C-T.
Other names: short protein forms W50*.
Identifiers: ClinVar variation 1048173 (VCV001048173.3), dbSNP rs200866925, ClinGen allele CA412376210.

ClinVar aggregate classification (germline): Pathogenic/Likely pathogenic. Review status: criteria provided, multiple submitters, no conflicts (2 of 4 stars). 3 submissions from 3 submitters: Pathogenic (1); Likely pathogenic (2). Last evaluated 2023-06-22.

Conditions:
RS1-related disorder. Also called: RS1-related condition.
Juvenile retinoschisis (RS1). Also called: X-linked retinoschisis; X-Linked Juvenile Retinoschisis. Identifiers: Orphanet 792, MedGen C3714753, MONDO:0010725, OMIM 312700.

Submissions (3):

Neuberg Centre For Genomic Medicine, NCGM
Classification: Pathogenic for Juvenile retinoschisis. Last evaluated: 2023-06-22. Review status: criteria provided, single submitter. Criteria: ACMG Guidelines, 2015. Collection method: clinical testing. Allele origin: germline. Inheritance: X-linked recessive inheritance. Affected: yes.
Comment: The stop gained c.150G>A (p.Trp50Ter) variant in RS1 gene has been previously reported in individual(s) affected with RS1-related retinal disease (Maggi et al., 2021). The p.Trp50Ter variant is absent in gnomAD Exomes. This variant has been submitted to the ClinVar database as Likely Pathogenic. Computational evidence (MutationTaster - Disease causing) predicts damaging effect on protein structure and function for this variant. The nucleotide change c.150G>A in RS1 is predicted as conserved by GERP++ and PhyloP across 100 vertebrates. This sequence change creates a premature translational stop signal (p.Trp50Ter) in RS1 gene. This variant is predicted to cause loss of normal protein function through protein truncation. Loss of function variants have been previously reported to be disease causing. For these reasons, this variant has been classified as Pathogenic.

Blueprint Genetics
Classification: Likely pathogenic for RS1-related disorders. Last evaluated: 2021-11-11. Review status: criteria provided, single submitter. Criteria: ACMG Guidelines, 2015. Collection method: clinical testing. Allele origin: germline. Affected: yes. Observed: 1 variant allele.

Institute of Medical Molecular Genetics, University of Zurich
Classification: Likely pathogenic for Juvenile retinoschisis. Last evaluated: 2021-01-30. Review status: criteria provided, single submitter. Criteria: ACMG Guidelines, 2015. Collection method: clinical testing. Allele origin: unknown. Affected: yes.